The following is an entry in ClinVar:

NM_005431.2(XRCC2):c.458C>G (p.Ala153Gly)

Gene: XRCC2 (X-ray repair cross complementing 2; minus strand). Cytogenetic location: 7q36.1.
Variant type: single nucleotide variant.
Coding change: c.458C>G on transcript NM_005431.2 (MANE Select); coding-DNA position 458, C replaced by G.
Protein change: p.Ala153Gly; replaces alanine 153 with glycine.
Molecular consequence: missense variant.
Genome position (GRCh38, 1-based): chr7:152,649,027, G>C on the plus strand (C>G on the coding strand, the complement: XRCC2 is on the minus strand). VCF-style: chr7-152649027-G-C. GRCh37 (hg19) VCF-style: chr7-152346112-G-C.
Other names: short protein forms A153G.
Identifiers: ClinVar variation 1741697 (VCV001741697.3), dbSNP rs2116987806, ClinGen allele CA370198653.

ClinVar aggregate classification (germline): Uncertain significance (1 of 4 stars; one submission).

Conditions:
Hereditary cancer-predisposing syndrome. Also called: Hereditary Cancer Syndrome; Hereditary neoplastic syndrome; Neoplastic Syndromes, Hereditary; Tumor predisposition. Identifiers: Orphanet 140162, MedGen C0027672, MeSH D009386, MONDO:0015356.

Submission:

Ambry Genetics
Classification: Uncertain significance for Hereditary cancer-predisposing syndrome. Last evaluated: 2025-10-31. Review status: criteria provided, single submitter. Criteria: Ambry Variant Classification Scheme 2023. Collection method: clinical testing. Allele origin: germline.
Comment: The p.A153G variant (also known as c.458C>G), located in coding exon 3 of the XRCC2 gene, results from a C to G substitution at nucleotide position 458. The alanine at codon 153 is replaced by glycine, an amino acid with similar properties. This amino acid position is conserved. In addition, this alteration is predicted to be tolerated by in silico analysis. Since supporting evidence is limited at this time, the clinical significance of this alteration remains unclear.